The following is an entry in ClinVar:

NM_005267.5(GJA8):c.433G>T (p.Gly145Trp)

Gene: GJA8 (gap junction protein alpha 8; plus strand). Cytogenetic location: 1q21.2.
Variant type: single nucleotide variant.
Coding change: c.433G>T on transcript NM_005267.5 (MANE Select); coding-DNA position 433, G replaced by T.
Protein change: p.Gly145Trp; replaces glycine 145 with tryptophan.
Molecular consequence: missense variant.
Genome position (GRCh38, 1-based): chr1:147,908,388, G>T. VCF-style: chr1-147908388-G-T. GRCh37 (hg19) VCF-style: chr1-147380515-G-T.
Other names: short protein forms G145W.
Identifiers: ClinVar variation 3253663 (VCV003253663.1), dbSNP rs2524891033.

ClinVar aggregate classification (germline): Uncertain significance (1 of 4 stars; one submission).

Conditions:
Cataract 1 multiple types. Also called: CATARACT, DUFFY-LINKED; CATARACT 1, POSTERIOR SUBCAPSULAR, WITH MICROCORNEA; CATARACT 1, STELLATE NUCLEAR, WITH MICROCORNEA; CATARACT 1, MULTIPLE TYPES, WITH OR WITHOUT MICROCORNEA; CATARACT 1, NUCLEAR PROGRESSIVE; CATARACT 1 WITH MICROCORNEA. Identifiers: Orphanet 1377, MedGen C1861828, MONDO:0007285, OMIM 116200.

Submission:

Dept. Genetics and Cancer, Menzies Institute for Medical Research, University of Tasmania
Classification: Uncertain significance for Cataract 1 multiple types. Last evaluated: 2023-01-21. Review status: criteria provided, single submitter. Criteria: ACMG Guidelines, 2015. Collection method: curation. Allele origin: germline. Affected: yes.
Comment: Variant identified and curated during a GJA8 specific review of the literature in relation to pediatric or congenital cataract. ACMG-AMP criteria applied: PP1(Moderate), PM2(Supporting), PP3. Original variant report: PMID:27785597. The cataract phenotype reported for this variant is: Nuclear. Gene review and curation guidelines are outlined in: DOI 10.1080/17469899.2023.2160320

Literature cited by the submitters: PubMed 27785597.